The following is an entry in ClinVar:

NM_000046.5(ARSB):c.436T>C (p.Trp146Arg)

Gene: ARSB (arylsulfatase B; minus strand). Cytogenetic location: 5q14.1.
Variant type: single nucleotide variant.
Coding change: c.436T>C on transcript NM_000046.5 (MANE Select); coding-DNA position 436, T replaced by C.
Protein change: p.Trp146Arg; replaces tryptophan 146 with arginine.
Molecular consequence: missense variant.
Genome position (GRCh38, 1-based): chr5:78,969,069, A>G on the plus strand (T>C on the coding strand, the complement: ARSB is on the minus strand). VCF-style: chr5-78969069-A-G. GRCh37 (hg19) VCF-style: chr5-78264892-A-G.
Other names: c.436T>C, p.Trp146Arg (NM_198709.3); short protein forms W146R.
Identifiers: ClinVar variation 559784 (VCV000559784.1), dbSNP rs1554088037, ClinGen allele CA360194048.

ClinVar aggregate classification (germline): Uncertain significance (1 of 4 stars; one submission).

Conditions:
Mucopolysaccharidosis type 6 (MPS6). Also called: N-ACETYLGALACTOSAMINE-4-SULFATASE DEFICIENCY; MPS VI; MPS 6; Maroteaux Lamy syndrome; ARSB DEFICIENCY; ARYLSULFATASE B DEFICIENCY. Identifiers: Orphanet 583, MedGen C0026709, MONDO:0009661, OMIM 253200.

Submission:

Laboratory of Diagnosis and Therapy of Lysosomal Disorders, University of Padova
Classification: Uncertain significance for Mucopolysaccharidosis type 6. Last evaluated: 2018-01-01. Review status: criteria provided, single submitter. Criteria: ACMG Guidelines, 2015. Collection method: curation. Allele origin: germline. Affected: yes.
Comment: Absent from GnomAD (PM2)

Literature cited by the submitters: PubMed 8541342; PubMed 30118150.